The following is an entry in ClinVar:

ClinVar aggregate classification (germline): Benign. Review status: criteria provided, multiple submitters, no conflicts (2 of 4 stars). 7 submissions from 4 submitters: Benign (7). Last evaluated 2026-01-26.

Conditions:
Autoinflammatory syndrome. Identifiers: Orphanet 93665, MedGen C3890737, MONDO:0019751.
Atypical hemolytic-uremic syndrome. Identifiers: Orphanet 2134, MedGen C2931788, MONDO:0016244.
Familial amyloid nephropathy with urticaria AND deafness (MWS). Also called: UDA SYNDROME; URTICARIA-DEAFNESS-AMYLOIDOSIS SYNDROME; MUCKLE-WELLS SYNDROME; Urticaria, deafness and amyloidosis; CRYOPYRIN-ASSOCIATED PERIODIC SYNDROME 2. Identifiers: Orphanet 575, MedGen C0268390, MONDO:0008633, OMIM 191900.
Familial cold autoinflammatory syndrome 1 (FCAS1). Also called: CRYOPYRIN-ASSOCIATED PERIODIC SYNDROME 1; Familial cold inflammatory syndrome 1. Identifiers: Orphanet 47045, MedGen C4551895, MONDO:0007349, OMIM 120100.
Cryopyrin associated periodic syndrome (CAPS). Identifiers: Orphanet 208650, MedGen C2316212, MONDO:0016168.
Chronic infantile neurological, cutaneous and articular syndrome (CINCA). Also called: CHRONIC NEUROLOGIC CUTANEOUS AND ARTICULAR SYNDROME; CINCA syndrome; Prieur Griscelli syndrome; CRYOPYRIN-ASSOCIATED PERIODIC SYNDROME 3. Identifiers: Orphanet 1451, MedGen C0409818, MONDO:0011776, OMIM 607115.

Allele frequency attached by ClinVar (database versions not stated): gnomAD exomes 0.59464; gnomAD 0.63770 and 0.63911; TOPMed 0.64828; 1000 Genomes Project 0.65355; 1000 Genomes Project 30x 0.65990.
gnomAD v4.1: 353,166 of 583,860 alleles (60%); highest among the groups gnomAD compares: African/African-American, 74%; 108,597 homozygotes.

Submissions (7):

Labcorp Genetics (formerly Invitae), Labcorp
Classification: Benign for Cryopyrin associated periodic syndrome. Last evaluated: 2026-01-26. Review status: criteria provided, single submitter. Criteria: Invitae Variant Classification Sherloc (09022015). Collection method: clinical testing. Allele origin: germline.

Genome Diagnostics Laboratory, The Hospital for Sick Children
Classification: Benign for Atypical hemolytic-uremic syndrome. Last evaluated: 2022-10-05. Review status: criteria provided, single submitter. Criteria: ACMG Guidelines, 2015. Collection method: clinical testing. Allele origin: germline.

Genome Diagnostics Laboratory, The Hospital for Sick Children
Classification: Benign for Autoinflammatory syndrome. Last evaluated: 2022-01-14. Review status: criteria provided, single submitter. Criteria: ACMG Guidelines, 2015. Collection method: clinical testing. Allele origin: germline. Affected: yes.

Illumina Laboratory Services, Illumina
Classification: Benign for Familial cold autoinflammatory syndrome 1. Last evaluated: 2017-04-27. Review status: criteria provided, single submitter. Criteria: ICSL Variant Classification Criteria 13 December 2019. Collection method: clinical testing. Allele origin: germline.
Comment: This variant was observed as part of a predisposition screen in an ostensibly healthy population. A literature search was performed for the gene, cDNA change, and amino acid change (where applicable). No publications were found based on this search. Allele frequency data from public databases was too high to be consistent with this variant causing disease. Therefore, this variant is classified as benign.

Illumina Laboratory Services, Illumina
Classification: Benign for Chronic infantile neurological, cutaneous and articular syndrome. Last evaluated: 2017-04-27. Review status: criteria provided, single submitter. Criteria: ICSL Variant Classification Criteria 13 December 2019. Collection method: clinical testing. Allele origin: germline.
Comment: the same text as in the submission from Illumina Laboratory Services, Illumina above.

Illumina Laboratory Services, Illumina
Classification: Benign for Familial amyloid nephropathy with urticaria AND deafness. Last evaluated: 2017-04-27. Review status: criteria provided, single submitter. Criteria: ICSL Variant Classification Criteria 13 December 2019. Collection method: clinical testing. Allele origin: germline.
Comment: the same text as in the submission from Illumina Laboratory Services, Illumina above.

Breakthrough Genomics
Classification: Benign. Review status: criteria provided, single submitter. Criteria: ACMG Guidelines, 2015. Collection method: not provided. Allele origin: germline. Inheritance: Autosomal dominant inheritance. Affected: yes.

NM_001243133.2(NLRP3):c.*230G>C

Gene: NLRP3 (NLR family pyrin domain containing 3; plus strand). Cytogenetic location: 1q44.
Variant type: single nucleotide variant.
Coding change: c.*230G>C on transcript NM_001243133.2 (MANE Select); 230 bases downstream of the stop codon, G replaced by C.
Molecular consequence: 3 prime UTR variant.
Genome position (GRCh38, 1-based): chr1:247,448,734, G>C. VCF-style: chr1-247448734-G-C. GRCh37 (hg19) VCF-style: chr1-247612036-G-C.
Other names: c.*230G>C (NM_001079821.3, NM_001127461.3, NM_001127462.3 and 2 more transcripts).
Identifiers: ClinVar variation 296956 (VCV000296956.16), dbSNP rs10754558, ClinGen allele CA10609714.
Genomic context (GRCh38, chr1:247,448,734, plus strand): 5'-GCATCTCCTTTACGCCAGGGTGAGGAAGACACCAGGACAATGACAGCATCGGGTGTTGTT[G>C]TCATCACAGCGCCTCAGTTAGAGGATGTTCCTCTTGGTGACCTCATGTAATTAGCTCATT-3'